The following is an entry in ClinVar:

ClinVar aggregate classification (germline): Uncertain significance (1 of 4 stars; one submission).

Conditions:
Inborn genetic diseases. Identifiers: MedGen C0950123, MeSH D030342.

Submission:

Ambry Genetics
Classification: Uncertain significance for Inborn genetic diseases. Last evaluated: 2025-07-04. Review status: criteria provided, single submitter. Criteria: Ambry Variant Classification Scheme 2023. Collection method: clinical testing. Allele origin: germline.
Comment: The p.P590A variant (also known as c.1768C>G), located in coding exon 19 of the FANCA gene, results from a C to G substitution at nucleotide position 1768. The proline at codon 590 is replaced by alanine, an amino acid with highly similar properties. This amino acid position is conserved. In addition, this alteration is predicted to be deleterious by in silico analysis. Based on the available evidence, the clinical significance of this variant remains unclear.

NM_000135.4(FANCA):c.1768C>G (p.Pro590Ala)

Gene: FANCA (FA complementation group A; minus strand). Cytogenetic location: 16q24.3.
Variant type: single nucleotide variant.
Coding change: c.1768C>G on transcript NM_000135.4 (MANE Select); coding-DNA position 1768, C replaced by G.
Protein change: p.Pro590Ala; replaces proline 590 with alanine.
Molecular consequence: missense variant.
Genome position (GRCh38, 1-based): chr16:89,778,951, G>C on the plus strand (C>G on the coding strand, the complement: FANCA is on the minus strand). VCF-style: chr16-89778951-G-C. GRCh37 (hg19) VCF-style: chr16-89845359-G-C.
Other names: c.1768C>G, p.Pro590Ala (NM_001286167.3); short protein forms P590A.
Identifiers: ClinVar variation 4254177 (VCV004254177.1).
Genomic context (GRCh38, chr16:89,778,951, plus strand): 5'-AGTCCTTGCTTTCTACACAACTGGTCACAAACTCATGGAGACGCATACTGACCACTCGAG[G>C]TGTGAGCAGGGCGGGGAGGAAGTGGGACACGTAGTAAGGCCTCCTGAATATGCTGCAACA-3'
Protein context (NP_000126.2, residues 580-600): VSHFLPALLT[Pro590Ala]RVLPKVPDSR